The following is an entry in ClinVar:

NM_000163.5(GHR):c.364T>C (p.Trp122Arg)

Gene: GHR (growth hormone receptor; plus strand). Cytogenetic location: 5p12.
Variant type: single nucleotide variant.
Coding change: c.364T>C on transcript NM_000163.5 (MANE Select); coding-DNA position 364, T replaced by C.
Protein change: p.Trp122Arg; replaces tryptophan 122 with arginine.
Molecular consequence: missense variant.
Genome position (GRCh38, 1-based): chr5:42,695,014, T>C. VCF-style: chr5-42695014-T-C. GRCh37 (hg19) VCF-style: chr5-42695116-T-C.
Other names: c.385T>C, p.Trp129Arg (NM_001242399.2); c.364T>C, p.Trp122Arg (NM_001242400.2, NM_001242401.4, NM_001242402.2 and 5 more transcripts); c.298T>C, p.Trp100Arg (NM_001242460.2); short protein forms W122R, W129R, W100R.
Identifiers: ClinVar variation 492773 (VCV000492773.3), dbSNP rs190314158, ClinGen allele CA359695205.

ClinVar aggregate classification (germline): Uncertain significance. Review status: criteria provided, single submitter (1 of 4 stars). 2 submissions from 2 submitters: Uncertain significance (1). 1 of the submissions does not count toward it. Last evaluated 2026-08-10.

Conditions:
Laron-type isolated somatotropin defect. Also called: Laron Syndrome; Growth hormone binding protein deficiency or dysfunction; Growth hormone receptor deficiency or dysfunction; Laron dwarfism; Laron type pituitary dwarfism I; GROWTH HORMONE RECEPTOR DEFICIENCY. Identifiers: Orphanet 633, MedGen C0271568, MONDO:0009877, OMIM 262500.

Allele frequency attached by ClinVar (database versions not stated): gnomAD exomes below 0.00001.
gnomAD v4.1: 3 of 1,609,910 alleles (0.00019%); highest among the groups gnomAD compares: Non-Finnish European, 0.00017%; no homozygotes.

Submissions (2):

GeneDx
Classification: Uncertain significance. Last evaluated: 2026-08-10. Review status: criteria provided, single submitter. Criteria: GeneDx Variant Classification Process June 2021. Collection method: clinical testing. Allele origin: germline.
Comment: Not observed at significant frequency in large population cohorts (gnomAD); In silico analysis supports that this missense variant has a deleterious effect on protein structure/function; Also known as p.W104R; This variant is associated with the following publications: (PMID: 20583548)

Clinical Molecular Genetics Laboratory, Johns Hopkins All Children's Hospital
Classification: Pathogenic for Laron-type isolated somatotropin defect. Last evaluated: 2012-12-10. Review status: no assertion criteria provided. Collection method: clinical testing. Allele origin: germline. Affected: yes. Not counted in ClinVar's aggregate classification.